The following is an entry in ClinVar:

NM_000535.7(PMS2):c.2304T>G (p.Ile768Met)

Gene: PMS2 (PMS1 homolog 2, mismatch repair system component; minus strand). Cytogenetic location: 7p22.1.
Variant type: single nucleotide variant.
Coding change: c.2304T>G on transcript NM_000535.7 (MANE Select); coding-DNA position 2304, T replaced by G.
Protein change: p.Ile768Met; replaces isoleucine 768 with methionine.
Molecular consequence: missense variant. On other transcripts: intron variant (2).
Genome position (GRCh38, 1-based): chr7:5,977,729, A>C on the plus strand (T>G on the coding strand, the complement: PMS2 is on the minus strand). VCF-style: chr7-5977729-A-C. GRCh37 (hg19) VCF-style: chr7-6017360-A-C.
Other names: c.1602-15T>G (NM_001406910.1); c.2175-15T>G (NM_001406871.1); c.1899T>G, p.Ile633Met (NM_001322003.2, NM_001322004.2, NM_001322005.2 and 11 more transcripts); c.2148T>G, p.Ile716Met (NM_001322006.2); c.1986T>G, p.Ile662Met (NM_001322007.2, NM_001322008.2, NM_001406883.1); c.1932T>G, p.Ile644Met (NM_001322009.2, NM_001406887.1, NM_001406888.1); c.1743T>G, p.Ile581Met (NM_001322010.2, NM_001406906.1, NM_001406907.1); c.1371T>G, p.Ile457Met (NM_001322011.2, NM_001322012.2); and 20 more; short protein forms I511M, I606M, I646M, I662M, I676M, I702M, I716M, I581M.
Identifiers: ClinVar variation 3421447 (VCV003421447.1).

ClinVar aggregate classification (germline): Uncertain significance (1 of 4 stars; one submission).

Conditions:
Hereditary cancer-predisposing syndrome. Also called: Neoplastic Syndromes, Hereditary; Tumor predisposition; Hereditary Cancer Syndrome; Hereditary neoplastic syndrome. Identifiers: Orphanet 140162, MedGen C0027672, MeSH D009386, MONDO:0015356.

Submission:

Ambry Genetics
Classification: Uncertain significance for Hereditary cancer-predisposing syndrome. Last evaluated: 2024-09-06. Review status: criteria provided, single submitter. Criteria: Ambry Variant Classification Scheme 2023. Collection method: clinical testing. Allele origin: germline.
Comment: The p.I768M variant (also known as c.2304T>G), located in coding exon 14 of the PMS2 gene, results from a T to G substitution at nucleotide position 2304. The isoleucine at codon 768 is replaced by methionine, an amino acid with highly similar properties. This amino acid position is conserved. In addition, this alteration is predicted to be tolerated by in silico analysis. Based on the available evidence, the clinical significance of this variant remains unclear.